The following is an entry in ClinVar:

ClinVar aggregate classification (germline): Uncertain significance (1 of 4 stars; one submission).

Conditions:
Restrictive cardiomyopathy. Identifiers: Orphanet 217632, MedGen C0007196, MeSH D002313, MONDO:0005201, HP:0001723.

Submission:

Petrovsky National Research Centre of Surgery, The Federal Agency for Scientific Organizations
Classification: Uncertain significance for Restrictive cardiomyopathy. Last evaluated: 2026-04-09. Review status: criteria provided, single submitter. Criteria: ACMG Guidelines, 2015. Collection method: clinical testing. Allele origin: germline. Affected: yes. Observed: 1 variant allele.
Comment: The variant is not in The Genome Aggregation Database (gnomAD) v4.1.0. (Date of access 2026-04-09). In accordance with ACMG (2015) criteria this variant is classified as Uncertain significance with following criteria selected: PM2, BP4.

NM_032578.4(MYPN):c.3179A>C (p.Glu1060Ala)

Gene: MYPN (myopalladin; plus strand). Cytogenetic location: 10q21.3.
Variant type: single nucleotide variant.
Coding change: c.3179A>C on transcript NM_032578.4 (MANE Select); coding-DNA position 3179, A replaced by C.
Protein change: p.Glu1060Ala; replaces glutamic acid 1060 with alanine.
Molecular consequence: missense variant. On other transcripts: non-coding transcript variant (2).
Genome position (GRCh38, 1-based): chr10:68,197,372, A>C. VCF-style: chr10-68197372-A-C. GRCh37 (hg19) VCF-style: chr10-69957129-A-C.
Other names: c.3179A>C, p.Glu1060Ala (NM_001256267.2); c.2297A>C, p.Glu766Ala (NM_001256268.2); short protein forms E1060A, E766A.
Identifiers: ClinVar variation 4819601 (VCV004819601.1).